The following is an entry in ClinVar:

ClinVar aggregate classification (germline): Pathogenic (1 of 4 stars; one submission).

Conditions:
Marfan Syndrome/Loeys-Dietz Syndrome/Familial Thoracic Aortic Aneurysms and Dissections. Identifiers: MedGen CN229799.

Submission:

Women's Health and Genetics/Laboratory Corporation of America, LabCorp
Classification: Pathogenic for Marfan Syndrome/Loeys-Dietz Syndrome/Familial Thoracic Aortic Aneurysms and Dissections. Last evaluated: 2018-01-03. Review status: criteria provided, single submitter. Criteria: LabCorp Variant Classification Summary - May 2015. Collection method: clinical testing. Allele origin: germline.
Comment: Variant summary: The FBN1 c.4224C>A (p.Cys1408X) variant results in a premature termination codon, predicted to cause a truncated or absent FBN1 protein due to nonsense mediated decay, which are commonly known mechanisms for disease. Truncations downstream of this position have been classified as pathogenic by our laboratory (e.g. c.4567C>T, p.Arg1523X; c.4621C>T, p.Arg1541X; c.4786C>T, p.Arg1596X). One in silico tool predicts a damaging outcome for this variant. This variant is absent in 246188 control chromosomes in gnomAD. The variant of interest has not, to our knowledge, been reported in affected individuals via publications and/or reputable databases/clinical diagnostic laboratories; nor evaluated for functional impact by in vivo/vitro studies. Taken together, this variant is classified as pathogenic.

NM_000138.5(FBN1):c.4224C>A (p.Cys1408Ter)

Genes: FBN1 (fibrillin 1; minus strand), LOC126862124 (CDK7 strongly-dependent group 2 enhancer GRCh37_chr15:48764566-48765765; plus strand). Cytogenetic location: 15q21.1.
Variant type: single nucleotide variant.
Coding change: c.4224C>A on transcript NM_000138.5 (MANE Select); coding-DNA position 4224, C replaced by A.
Protein change: p.Cys1408Ter; replaces cysteine 1408 with a stop codon.
Molecular consequence: nonsense.
Genome position (GRCh38, 1-based): chr15:48,472,663, G>T on the plus strand (C>A on the coding strand, the complement: FBN1 is on the minus strand). VCF-style: chr15-48472663-G-T. GRCh37 (hg19) VCF-style: chr15-48764860-G-T.
Other names: short protein forms C1408*.
Identifiers: ClinVar variation 633218 (VCV000633218.1), dbSNP rs1566905978, ClinGen allele CA392318081.